The following is an entry in ClinVar:

ClinVar aggregate classification (germline): Uncertain significance (1 of 4 stars; one submission).

Conditions:
Developmental and epileptic encephalopathy, 30 (DEE30). Also called: Epileptic encephalopathy, early infantile, 30. Identifiers: MedGen C4225360, MONDO:0014595, OMIM 616341.

Submission:

Labcorp Genetics (formerly Invitae), Labcorp
Classification: Uncertain significance for Developmental and epileptic encephalopathy, 30. Last evaluated: 2026-01-04. Review status: criteria provided, single submitter. Criteria: Invitae Variant Classification Sherloc (09022015). Collection method: clinical testing. Allele origin: germline.
Comment: This sequence change creates a premature translational stop signal (p.Lys96Argfs*20) in the SIK1 gene. It is expected to result in an absent or disrupted protein product. However, the current clinical and genetic evidence is not sufficient to establish whether loss-of-function variants in SIK1 cause disease. This variant is not present in population databases (gnomAD no frequency). This variant has not been reported in the literature in individuals affected with SIK1-related conditions. In summary, the available evidence is currently insufficient to determine the role of this variant in disease. Therefore, it has been classified as a Variant of Uncertain Significance.

NM_173354.5(SIK1):c.287del (p.Lys96fs)

Gene: SIK1 (salt inducible kinase 1; minus strand). Cytogenetic location: 21q22.3.
Variant type: Deletion.
Coding change: c.287del on transcript NM_173354.5 (MANE Select); coding-DNA position 287, one base deleted (A; older notation c.287delA).
Protein change: p.Lys96fs; shifts the reading frame from lysine 96.
Molecular consequence: frameshift variant.
Genome position (GRCh38, 1-based): chr21:43,422,024, T deleted on the plus strand (A on the coding strand, the reverse complement: SIK1 is on the minus strand); the first of 3 consecutive T bases (chr21:43,422,024-43,422,026); deleting any one gives the same sequence. VCF-style (leftmost placement, unchanged base first): chr21-43422023-CT-C. GRCh37 (hg19) VCF-style: chr21-44841903-CT-C.
Other names: short protein forms K96fs.
Identifiers: ClinVar variation 4763450 (VCV004763450.1).